The following continues an entry in ClinVar:

NM_000530.8(MPZ):c.371C>T (p.Thr124Met)

Gene: MPZ. ClinVar aggregate classification (germline): Pathogenic. Pathogenic (10).

Submissions 10 to 16 of 16:

Fulgent Genetics
Classification: Pathogenic for Charcot-Marie-Tooth disease type 1B; Dejerine-Sottas disease; Roussy-Lévy syndrome; Charcot-Marie-Tooth disease type 4E; Charcot-Marie-Tooth disease type 2I; Charcot-Marie-Tooth disease type 2J; Charcot-Marie-Tooth disease dominant intermediate D. Last evaluated: 2018-10-31. Review status: criteria provided, single submitter. Criteria: ACMG Guidelines, 2015. Collection method: clinical testing. Allele origin: unknown.

OMIM
Classification: Pathogenic for CHARCOT-MARIE-TOOTH DISEASE, TYPE 2J. Last evaluated: 2006-06-15. Review status: no assertion criteria provided. Collection method: literature only. Allele origin: germline. Not counted in ClinVar's aggregate classification.

OMIM
Classification: Pathogenic for CHARCOT-MARIE-TOOTH DISEASE, TYPE 1B. Last evaluated: 2006-06-15. Review status: no assertion criteria provided. Collection method: literature only. Allele origin: germline. Not counted in ClinVar's aggregate classification.

Chongqing Key Laboratory of Neurology, First Affiliated Hospital of Chongqing Medical University
Classification: Pathogenic for Distal hereditary motor neuropathy type 2. Review status: no assertion criteria provided. Collection method: clinical testing. Allele origin: inherited. Affected: yes. Not counted in ClinVar's aggregate classification.

GeneReviews
No classification provided. Condition: Charcot-Marie-Tooth disease type 1B. Review status: no classification provided. Collection method: literature only. Allele origin: germline. Affected: yes. Not counted in ClinVar's aggregate classification.

Genomics England Pilot Project, Genomics England
Classification: Likely pathogenic for Charcot-Marie-Tooth disease dominant intermediate D. Review status: no assertion criteria provided. Criteria: ACGS Guidelines, 2016. Collection method: clinical testing. Allele origin: germline. Affected: yes. Not counted in ClinVar's aggregate classification.

Inherited Neuropathy Consortium
Classification: Uncertain significance for Charcot-Marie-Tooth disease. Review status: no assertion criteria provided. Collection method: literature only. Allele origin: germline. Affected: yes. Not counted in ClinVar's aggregate classification.

Literature cited by the submitters: PubMed 15184631 (cited by 3billion); PubMed 9452091 (cited by 5 submitters); PubMed 19629567 (cited by 4 submitters); PubMed 10923043 (cited by Labcorp Genetics (formerly Invitae), Labcorp and Ambry Genetics); PubMed 12207153 (cited by Labcorp Genetics (formerly Invitae), Labcorp); PubMed 12948789 (cited by Labcorp Genetics (formerly Invitae), Labcorp and Athena Diagnostics); PubMed 15159512 (cited by 3 submitters); PubMed 16279991 (cited by Labcorp Genetics (formerly Invitae), Labcorp and Mayo Clinic Laboratories, Mayo Clinic); PubMed 25720167 (cited by 3 submitters); PubMed 26234237 (cited by 4 submitters); PubMed 18337304 (cited by 3 submitters); PubMed 20461396 (cited by 3 submitters); PubMed 12911457 (cited by Athena Diagnostics); PubMed 36350884 (cited by Athena Diagnostics and Ambry Genetics); PubMed 34210210 (cited by Athena Diagnostics and Ambry Genetics); PubMed 33825325 (cited by Athena Diagnostics and Ambry Genetics); PubMed 33179255 (cited by Athena Diagnostics and Ambry Genetics); PubMed 31827005 (cited by Athena Diagnostics and Mayo Clinic Laboratories, Mayo Clinic); PubMed 32298515 (cited by Athena Diagnostics); PubMed 34060689 (cited by Athena Diagnostics); PubMed 37581289 (cited by Athena Diagnostics); PubMed 15377707 (cited by Athena Diagnostics and Ambry Genetics); PubMed 10071056 (cited by 3 submitters); PubMed 11080237 (cited by Athena Diagnostics and OMIM); PubMed 10329755 (cited by Ambry Genetics and OMIM); PubMed 10764043 (cited by Ambry Genetics and OMIM); PubMed 10835936 (cited by Ambry Genetics and Mayo Clinic Laboratories, Mayo Clinic); PubMed 16775239 (cited by Ambry Genetics and OMIM); PubMed 24819634 (cited by Ambry Genetics); PubMed 29687021 (cited by Ambry Genetics); PubMed 31211173 (cited by Ambry Genetics and Mayo Clinic Laboratories, Mayo Clinic); PubMed 19928689 (cited by Mayo Clinic Laboratories, Mayo Clinic); DOI 10.1111/ene.14260 (cited by Chongqing Key Laboratory of Neurology, First Affiliated Hospital of Chongqing Medical University); NCBI Bookshelf NBK1205 (cited by GeneReviews).